The following is an entry in ClinVar:

ClinVar aggregate classification (germline): Conflicting classifications of pathogenicity. Review status: criteria provided, conflicting classifications (1 of 4 stars). 2 submissions from 2 submitters: Uncertain significance (1); Likely benign (1). Last evaluated 2026-08-19.

Conditions:
Erythrocytosis, familial, 3 (ECYT3). Identifiers: Orphanet 247511, MedGen C1853286, MONDO:0012353, OMIM 609820.

gnomAD v4.1: 3 of 1,317,884 alleles (0.00023%); highest among the groups gnomAD compares: Non-Finnish European, 0.00019%; no homozygotes.

Submissions (2):

Ambry Genetics
Classification: Likely benign. Last evaluated: 2026-08-19. Review status: criteria provided, single submitter. Criteria: Ambry Variant Classification Scheme 2023. Collection method: clinical testing. Allele origin: germline.

Labcorp Genetics (formerly Invitae), Labcorp
Classification: Uncertain significance for Erythrocytosis, familial, 3. Last evaluated: 2025-07-29. Review status: criteria provided, single submitter. Criteria: Invitae Variant Classification Sherloc (09022015). Collection method: clinical testing. Allele origin: germline.
Comment: This sequence change replaces arginine, which is basic and polar, with leucine, which is neutral and non-polar, at codon 128 of the EGLN1 protein (p.Arg128Leu). This variant is not present in population databases (gnomAD no frequency). This variant has not been reported in the literature in individuals affected with EGLN1-related conditions. An algorithm developed to predict the effect of missense changes on protein structure and function outputs the following: PolyPhen-2: "Benign". The leucine amino acid residue is found in multiple mammalian species, which suggests that this missense change does not adversely affect protein function. In summary, the available evidence is currently insufficient to determine the role of this variant in disease. Therefore, it has been classified as a Variant of Uncertain Significance.

NM_022051.3(EGLN1):c.383G>T (p.Arg128Leu)

Gene: EGLN1 (egl-9 family hypoxia inducible factor 1; minus strand). Cytogenetic location: 1q42.2.
Variant type: single nucleotide variant.
Coding change: c.383G>T on transcript NM_022051.3 (MANE Select); coding-DNA position 383, G replaced by T.
Protein change: p.Arg128Leu; replaces arginine 128 with leucine.
Molecular consequence: missense variant.
Genome position (GRCh38, 1-based): chr1:231,421,506, C>A on the plus strand (G>T on the coding strand, the complement: EGLN1 is on the minus strand). VCF-style: chr1-231421506-C-A. GRCh37 (hg19) VCF-style: chr1-231557252-C-A.
Other names: c.383G>T, p.Arg128Leu (NM_001377260.1, NM_001377261.1); c.383G>T (NM_022051.2); short protein forms R128L.
Identifiers: ClinVar variation 4704957 (VCV004704957.2).